The following is an entry in ClinVar:

NM_006950.3(SYN1):c.528-19C>T

Gene: SYN1 (synapsin I; minus strand). Cytogenetic location: Xp11.23.
Variant type: single nucleotide variant.
Coding change: c.528-19C>T on transcript NM_006950.3 (MANE Select); 19 bases into the intron before coding-DNA position 528, C replaced by T.
Molecular consequence: intron variant.
Genome position (GRCh38, 1-based): chrX:47,605,398, G>A on the plus strand (C>T on the coding strand, the complement: SYN1 is on the minus strand). VCF-style: chrX-47605398-G-A. GRCh37 (hg19) VCF-style: chrX-47464797-G-A.
Other names: c.528-19C>T (NM_133499.2).
Identifiers: ClinVar variation 139380 (VCV000139380.9), dbSNP rs190935498, ClinGen allele CA293841.
Genomic context (GRCh38, chrX:47,605,398, plus strand): 5'-AAGGCGTGCTGGCGGATCAGCACAAAATCCGGCTTCAGAGACCTAGTGTGGCAGGGGTAG[G>A]AGTGTTGAGAGTTCCCCCAGAAGCTCCCAATCACTCTCGAAACAAAGACCAAGTTTTTAA-3'

ClinVar aggregate classification (germline): Benign. Review status: criteria provided, multiple submitters, no conflicts (2 of 4 stars). 2 submissions from 2 submitters: Benign (2). Last evaluated 2026-01-25.

Conditions:
Epilepsy, X-linked 1, with variable learning disabilities and behavior disorders. Also called: X-linked epilepsy-learning disabilities-behavior disorders syndrome. Identifiers: Orphanet 85294, MedGen C5774177, MONDO:0010339, OMIM 300491.

Allele frequency attached by ClinVar (database versions not stated): gnomAD exomes 0.00018 and 0.00051; ExAC 0.00072; 1000 Genomes Project 0.00159; gnomAD 0.00181 and 0.00192; 1000 Genomes Project 30x 0.00187; TOPMed 0.00191; ESP Exome Variant Server 0.00237.
gnomAD v4.1: 426 of 1,206,662 alleles (0.035%); highest among the groups gnomAD compares: African/African-American, 0.65%; 3 homozygotes.

Submissions (2):

Labcorp Genetics (formerly Invitae), Labcorp
Classification: Benign for Epilepsy, X-linked 1, with variable learning disabilities and behavior disorders. Last evaluated: 2026-01-25. Review status: criteria provided, single submitter. Criteria: Invitae Variant Classification Sherloc (09022015). Collection method: clinical testing. Allele origin: germline.

GeneDx
Classification: Benign. Last evaluated: 2013-11-05. Review status: criteria provided, single submitter. Criteria: GeneDx Variant Classification (06012015). Collection method: clinical testing. Allele origin: germline. Affected: yes.
Comment: This variant is considered likely benign or benign based on one or more of the following criteria: it is a conservative change, it occurs at a poorly conserved position in the protein, it is predicted to be benign by multiple in silico algorithms, and/or has population frequency not consistent with disease.